The following is an entry in ClinVar:

NM_133459.4(CCBE1):c.362G>A (p.Arg121Gln)

Gene: CCBE1 (collagen and calcium binding EGF domains 1; minus strand). Cytogenetic location: 18q21.32.
Variant type: single nucleotide variant.
Coding change: c.362G>A on transcript NM_133459.4 (MANE Select); coding-DNA position 362, G replaced by A.
Protein change: p.Arg121Gln; replaces arginine 121 with glutamine.
Molecular consequence: missense variant.
Genome position (GRCh38, 1-based): chr18:59,469,511, C>T on the plus strand (G>A on the coding strand, the complement: CCBE1 is on the minus strand). VCF-style: chr18-59469511-C-T. GRCh37 (hg19) VCF-style: chr18-57136743-C-T.
Other names: c.362G>A (NM_133459.3); short protein forms R121Q.
Identifiers: ClinVar variation 1446836 (VCV001446836.8), dbSNP rs779213116, ClinGen allele CA8980523.

ClinVar aggregate classification (germline): Uncertain significance. Review status: criteria provided, multiple submitters, no conflicts (2 of 4 stars). 2 submissions from 2 submitters: Uncertain significance (2). Last evaluated 2025-08-12.

Conditions:
Inborn genetic diseases. Identifiers: MedGen C0950123, MeSH D030342.

Allele frequency attached by ClinVar (database versions not stated): ExAC 0.00002; gnomAD exomes 0.00002; TOPMed 0.00004; gnomAD 0.00006.
gnomAD v4.1: 41 of 1,614,064 alleles (0.0025%); highest among the groups gnomAD compares: Admixed American, 0.012%; no homozygotes.

Submissions (2):

Ambry Genetics
Classification: Uncertain significance for Inborn genetic diseases. Last evaluated: 2025-08-12. Review status: criteria provided, single submitter. Criteria: Ambry Variant Classification Scheme 2023. Collection method: clinical testing. Allele origin: germline.

Labcorp Genetics (formerly Invitae), Labcorp
Classification: Uncertain significance. Last evaluated: 2023-08-10. Review status: criteria provided, single submitter. Criteria: Invitae Variant Classification Sherloc (09022015). Collection method: clinical testing. Allele origin: germline.
Comment: This sequence change replaces arginine, which is basic and polar, with glutamine, which is neutral and polar, at codon 121 of the CCBE1 protein (p.Arg121Gln). This variant is present in population databases (rs779213116, gnomAD 0.006%). This variant has not been reported in the literature in individuals affected with CCBE1-related conditions. ClinVar contains an entry for this variant (Variation ID: 1446836). Advanced modeling of protein sequence and biophysical properties (such as structural, functional, and spatial information, amino acid conservation, physicochemical variation, residue mobility, and thermodynamic stability) performed at Invitae indicates that this missense variant is expected to disrupt CCBE1 protein function. In summary, the available evidence is currently insufficient to determine the role of this variant in disease. Therefore, it has been classified as a Variant of Uncertain Significance.